The following is an entry in ClinVar:

ClinVar aggregate classification (germline): Pathogenic (1 of 4 stars; one submission).

Conditions:
Breast-ovarian cancer, familial, susceptibility to, 5 (BROVCA5). Identifiers: MedGen C5830615, MONDO:0957530, OMIM 620442.

Submission:

Clinical Genetics Laboratory, University Hospital Schleswig-Holstein
Classification: Pathogenic for Breast-ovarian cancer, familial, susceptibility to, 5. Last evaluated: 2025-02-18. Review status: criteria provided, single submitter. Criteria: ACMG Guidelines, 2015. Collection method: clinical testing. Allele origin: germline. Affected: yes. Observed: 1 heterozygote.
Comment: ACMG criteria applied: PM2, PVS1

NM_024675.4(PALB2):c.540del (p.Glu181fs)

Gene: PALB2 (partner and localizer of BRCA2; minus strand). Cytogenetic location: 16p12.2.
Variant type: Deletion.
Coding change: c.540del on transcript NM_024675.4 (MANE Select); coding-DNA position 540, one base deleted (A; older notation c.540delA).
Protein change: p.Glu181fs; shifts the reading frame from glutamic acid 181.
Molecular consequence: frameshift variant. On other transcripts: 5 prime UTR variant (8), intron variant (3).
Genome position (GRCh38, 1-based): chr16:23,636,006, T deleted on the plus strand (A on the coding strand, the reverse complement: PALB2 is on the minus strand); the first of 2 consecutive T bases (chr16:23,636,006-23,636,007); deleting either gives the same sequence. VCF-style (leftmost placement, unchanged base first): chr16-23636005-CT-C. GRCh37 (hg19) VCF-style: chr16-23647326-CT-C.
Other names: c.-346del (NM_001407304.1, NM_001407305.1, NM_001407306.1 and 5 more transcripts); c.48+5104del (NM_001407314.1); c.-105+5104del (NM_001407313.1, NM_001407312.1); c.480del, p.Glu161fs (NM_001407296.1); c.540del, p.Glu181fs (NM_001407297.1, NM_001407298.1, NM_001407299.1 and 3 more transcripts); short protein forms E161fs, E181fs.
Identifiers: ClinVar variation 5042020 (VCV005042020.1).